The following is an entry in ClinVar:

NM_005732.4(RAD50):c.1605dup (p.Thr536fs)

Gene: RAD50 (RAD50 double strand break repair protein; plus strand). Cytogenetic location: 5q31.1.
Variant type: Duplication.
Coding change: c.1605dup on transcript NM_005732.4 (MANE Select); coding-DNA position 1605, one base duplicated (T; older notation c.1605dupT).
Protein change: p.Thr536fs; shifts the reading frame from threonine 536.
Molecular consequence: frameshift variant.
Genome position (GRCh38, 1-based): chr5:132,591,376, T duplicated. VCF-style (leftmost placement, unchanged base first): chr5-132591375-G-GT. GRCh37 (hg19) VCF-style: chr5-131927067-G-GT.
Other names: short protein forms T536fs.
Identifiers: ClinVar variation 2028635 (VCV002028635.4), dbSNP rs2479641785, ClinGen allele CA2580072727.

ClinVar aggregate classification (germline): Pathogenic (1 of 4 stars; one submission).

Conditions:
Hereditary cancer-predisposing syndrome. Also called: Hereditary Cancer Syndrome; Tumor predisposition; Neoplastic Syndromes, Hereditary; Hereditary neoplastic syndrome. Identifiers: Orphanet 140162, MedGen C0027672, MeSH D009386, MONDO:0015356.

Submission:

Labcorp Genetics (formerly Invitae), Labcorp
Classification: Pathogenic for Hereditary cancer-predisposing syndrome. Last evaluated: 2022-09-02. Review status: criteria provided, single submitter. Criteria: Invitae Variant Classification Sherloc (09022015). Collection method: clinical testing. Allele origin: germline.
Comment: For these reasons, this variant has been classified as Pathogenic. This variant has not been reported in the literature in individuals affected with RAD50-related conditions. This variant is not present in population databases (gnomAD no frequency). This sequence change creates a premature translational stop signal (p.Thr536Tyrfs*12) in the RAD50 gene. It is expected to result in an absent or disrupted protein product. Loss-of-function variants in RAD50 are known to be pathogenic (PMID: 19409520).

Literature cited by the submitters: PubMed 19409520.